The following is an entry in ClinVar:

NM_172201.2(KCNE2):c.175A>G (p.Met59Val)

Genes: KCNE2 (potassium voltage-gated channel subfamily E regulatory subunit 2; plus strand), LOC105372791 (uncharacterized LOC105372791; minus strand). Cytogenetic location: 21q22.11.
Variant type: single nucleotide variant.
Coding change: c.175A>G on transcript NM_172201.2 (MANE Select); coding-DNA position 175, A replaced by G.
Protein change: p.Met59Val; replaces methionine 59 with valine.
Molecular consequence: missense variant. On other transcripts: non-coding transcript variant (2).
Genome position (GRCh38, 1-based): chr21:34,370,653, A>G. VCF-style: chr21-34370653-A-G. GRCh37 (hg19) VCF-style: chr21-35742952-A-G.
Other names: short protein forms M59V.
Identifiers: ClinVar variation 3697137 (VCV003697137.2).

ClinVar aggregate classification (germline): Uncertain significance (1 of 4 stars; one submission).

Conditions:
Long QT syndrome 6 (LQT6). Identifiers: Orphanet 101016, Orphanet 768, MedGen C3150953, MONDO:0013370, OMIM 613693.

gnomAD v4.1: 4 of 1,614,234 alleles (0.00025%); highest among the groups gnomAD compares: Admixed American, 0.0067%; no homozygotes.

Submission:

Labcorp Genetics (formerly Invitae), Labcorp
Classification: Uncertain significance for Long QT syndrome 6. Last evaluated: 2024-04-03. Review status: criteria provided, single submitter. Criteria: Invitae Variant Classification Sherloc (09022015). Collection method: clinical testing. Allele origin: germline.
Comment: This sequence change replaces methionine, which is neutral and non-polar, with valine, which is neutral and non-polar, at codon 59 of the KCNE2 protein (p.Met59Val). This variant is present in population databases (rs770739581, gnomAD 0.006%). This variant has not been reported in the literature in individuals affected with KCNE2-related conditions. An algorithm developed to predict the effect of missense changes on protein structure and function (PolyPhen-2) suggests that this variant is likely to be tolerated. In summary, the available evidence is currently insufficient to determine the role of this variant in disease. Therefore, it has been classified as a Variant of Uncertain Significance.